The following is an entry in ClinVar:

NM_001365276.2(TNXB):c.4997G>T (p.Arg1666Leu)

Gene: TNXB (tenascin XB; minus strand). Cytogenetic location: 6p21.33.
Variant type: single nucleotide variant.
Coding change: c.4997G>T on transcript NM_001365276.2 (MANE Select); coding-DNA position 4997, G replaced by T.
Protein change: p.Arg1666Leu; replaces arginine 1666 with leucine.
Molecular consequence: missense variant.
Genome position (GRCh38, 1-based): chr6:32,070,408, C>A on the plus strand (G>T on the coding strand, the complement: TNXB is on the minus strand). VCF-style: chr6-32070408-C-A. GRCh37 (hg19) VCF-style: chr6-32038185-C-A.
Other names: c.4997G>T, p.Arg1666Leu (NM_019105.8); short protein forms R1666L.
Identifiers: ClinVar variation 2560887 (VCV002560887.4), dbSNP rs560985106, ClinGen allele CA3734817.
Genomic context (GRCh38, chr6:32,070,408, plus strand): 5'-GTGGGGTCTGTCACCCACAGCTCCCCAAGGCGGGGTGGGGCCCCTGGGCTGGCGTCACCT[C>A]GGGCAACTGGAGAGGAAAGGTTCTTGTGTTTATTTTTTCCAAAACGACTCCTTGACTGCC-3'
Protein context (NP_001352205.1, residues 1656-1676): PVSVEAKTVA[Arg1666Leu]GDASPGAPPR

ClinVar aggregate classification (germline): Uncertain significance. Review status: criteria provided, multiple submitters, no conflicts (2 of 4 stars). 3 submissions from 3 submitters: Uncertain significance (3). Last evaluated 2026-04-20.

Conditions:
Cardiovascular phenotype. Identifiers: MedGen CN230736.

gnomAD v4.1: 26 of 1,587,518 alleles (0.0016%); highest among the groups gnomAD compares: Non-Finnish European, 0.0021%; no homozygotes.

Submissions (3):

Women's Health and Genetics/Laboratory Corporation of America, LabCorp
Classification: Uncertain significance. Last evaluated: 2026-04-20. Review status: criteria provided, single submitter. Criteria: LabCorp Variant Classification Summary - May 2015. Collection method: clinical testing. Allele origin: germline.
Comment: Variant summary: TNXB c.4997G>T (p.Arg1666Leu) results in a non-conservative amino acid change in the encoded protein sequence. Algorithms developed to predict the effect of missense changes on protein structure and function are either unavailable or do not agree on the potential impact of this missense change. The variant allele was found at a frequency of 8.4e-06 in 237154 control chromosomes. The available data on variant occurrences in the general population are insufficient to allow any conclusion about variant significance. To our knowledge, no occurrence of c.4997G>T in individuals affected with TNXB-related conditions and no experimental evidence demonstrating its impact on protein function have been reported. ClinVar contains an entry for this variant (Variation ID: 2560887). Based on the evidence outlined above, the variant was classified as uncertain significance.

GeneDx
Classification: Uncertain significance. Last evaluated: 2024-02-22. Review status: criteria provided, single submitter. Criteria: GeneDx Variant Classification Process June 2021. Collection method: clinical testing. Allele origin: germline. Affected: yes.
Comment: Has not been previously published as pathogenic or benign to our knowledge; Not observed at significant frequency in large population cohorts (gnomAD); In silico analysis supports that this missense variant does not alter protein structure/function

Ambry Genetics
Classification: Uncertain significance for Cardiovascular phenotype. Last evaluated: 2023-04-09. Review status: criteria provided, single submitter. Criteria: Ambry Variant Classification Scheme 2023. Collection method: clinical testing. Allele origin: germline.
Comment: The p.R1666L variant (also known as c.4997G>T), located in coding exon 13 of the TNXB gene, results from a G to T substitution at nucleotide position 4997. The arginine at codon 1666 is replaced by leucine, an amino acid with dissimilar properties. This amino acid position is conserved. In addition, this alteration is predicted to be tolerated by in silico analysis. Since supporting evidence is limited at this time, the clinical significance of this alteration remains unclear.